The following is an entry in ClinVar:

ClinVar aggregate classification (germline): Uncertain significance (0 of 4 stars; one submission).

Conditions:
IGF1R-related disorder. Also called: IGF1R-related condition.

gnomAD v4.1: 1 of 1,602,360 alleles (0.000062%); highest among the groups gnomAD compares: Non-Finnish European, 0.000085%; no homozygotes.

Submission:

PreventionGenetics, part of Exact Sciences
Classification: Uncertain significance for IGF1R-related condition. Last evaluated: 2024-07-25. Review status: no assertion criteria provided. Collection method: clinical testing. Allele origin: germline.
Comment: The IGF1R c.923C>T variant is predicted to result in the amino acid substitution p.Pro308Leu. To our knowledge, this variant has not been reported in the literature or in a large population database, indicating this variant is rare. At this time, the clinical significance of this variant is uncertain due to the absence of conclusive functional and genetic evidence.

NM_000875.5(IGF1R):c.923C>T (p.Pro308Leu)

Gene: IGF1R (insulin like growth factor 1 receptor; plus strand). Cytogenetic location: 15q26.3.
Variant type: single nucleotide variant.
Coding change: c.923C>T on transcript NM_000875.5 (MANE Select); coding-DNA position 923, C replaced by T.
Protein change: p.Pro308Leu; replaces proline 308 with leucine.
Molecular consequence: missense variant.
Genome position (GRCh38, 1-based): chr15:98,891,607, C>T. VCF-style: chr15-98891607-C-T. GRCh37 (hg19) VCF-style: chr15-99434836-C-T.
Other names: c.923C>T, p.Pro308Leu (NM_001291858.2); short protein forms P308L.
Identifiers: ClinVar variation 3346204 (VCV003346204.1).